The following is an entry in ClinVar:

NM_006493.4(CLN5):c.265G>A (p.Asp89Asn)

Gene: CLN5 (CLN5 lysosomal BMP synthase; plus strand). Cytogenetic location: 13q22.3.
Variant type: single nucleotide variant.
Coding change: c.265G>A on transcript NM_006493.4 (MANE Select); coding-DNA position 265, G replaced by A.
Protein change: p.Asp89Asn; replaces aspartic acid 89 with asparagine.
Molecular consequence: missense variant.
Genome position (GRCh38, 1-based): chr13:76,995,154, G>A. VCF-style: chr13-76995154-G-A. GRCh37 (hg19) VCF-style: chr13-77569289-G-A.
Other names: p.D138N:GAT>AAT; c.412G>A (LRG_692t1); c.265G>A, p.Asp89Asn (NM_001366624.2); short protein forms D89N.
Identifiers: ClinVar variation 205129 (VCV000205129.25), dbSNP rs138110438, ClinGen allele CA313873.

ClinVar aggregate classification (germline): Uncertain significance. Review status: criteria provided, multiple submitters, no conflicts (2 of 4 stars). 8 submissions from 8 submitters: Uncertain significance (7). 1 of the submissions does not count toward it. Last evaluated 2025-01-06.

Conditions:
Inborn genetic diseases. Identifiers: MedGen C0950123, MeSH D030342.
Neuronal ceroid lipofuscinosis 5 (CLN5). Also called: CEROID LIPOFUSCINOSIS, NEURONAL, 5, VARIABLE AGE AT ONSET; CLN5-Related Neuronal Ceroid-Lipofuscinosis; Neuronal ceroid lipofuscinosis Finnish variant; NEURONAL CEROID LIPOFUSCINOSIS, LATE INFANTILE, FINNISH VARIANT. Identifiers: Orphanet 168491, Orphanet 228360, MedGen C1850442, MONDO:0009745, OMIM 256731.
Neuronal ceroid lipofuscinosis. Also called: Neuronal Ceroid Lipofuscinoses. Identifiers: Orphanet 216, Orphanet 79263, MedGen C0027877, MONDO:0016295. Disease mechanism: loss of function.

Allele frequency attached by ClinVar (database versions not stated): gnomAD 0.00034 and 0.00031; 1000 Genomes Project 0.00040; 1000 Genomes Project 30x 0.00047; gnomAD exomes 0.00003 and 0.00006; ExAC 0.00005; ESP Exome Variant Server 0.00008; TOPMed 0.00031.
gnomAD v4.1: 90 of 1,614,138 alleles (0.0056%); highest among the groups gnomAD compares: African/African-American, 0.11%; no homozygotes.

Submissions (8):

Labcorp Genetics (formerly Invitae), Labcorp
Classification: Uncertain significance for Neuronal ceroid lipofuscinosis. Last evaluated: 2025-01-06. Review status: criteria provided, single submitter. Criteria: Invitae Variant Classification Sherloc (09022015). Collection method: clinical testing. Allele origin: germline.
Comment: This sequence change replaces aspartic acid, which is acidic and polar, with asparagine, which is neutral and polar, at codon 138 of the CLN5 protein (p.Asp138Asn). This variant is present in population databases (rs138110438, gnomAD 0.09%). This variant has not been reported in the literature in individuals affected with CLN5-related conditions. ClinVar contains an entry for this variant (Variation ID: 205129). Invitae Evidence Modeling of protein sequence and biophysical properties (such as structural, functional, and spatial information, amino acid conservation, physicochemical variation, residue mobility, and thermodynamic stability) indicates that this missense variant is not expected to disrupt CLN5 protein function with a negative predictive value of 80%. In summary, the available evidence is currently insufficient to determine the role of this variant in disease. Therefore, it has been classified as a Variant of Uncertain Significance.

GeneDx
Classification: Uncertain significance. Last evaluated: 2023-08-30. Review status: criteria provided, single submitter. Criteria: GeneDx Variant Classification Process June 2021. Collection method: clinical testing. Allele origin: germline. Affected: yes.
Comment: In silico analysis supports that this missense variant does not alter protein structure/function; Has not been previously published as pathogenic or benign to our knowledge; This variant is associated with the following publications: (PMID: 28492532)

Fulgent Genetics
Classification: Uncertain significance for Neuronal ceroid lipofuscinosis 5. Last evaluated: 2021-10-13. Review status: criteria provided, single submitter. Criteria: ACMG Guidelines, 2015. Collection method: clinical testing. Allele origin: unknown.

Genome-Nilou Lab
Classification: Uncertain significance for Neuronal ceroid lipofuscinosis 5. Last evaluated: 2021-09-05. Review status: criteria provided, single submitter. Criteria: ACMG Guidelines, 2015. Collection method: clinical testing. Allele origin: germline. Affected: no.

Athena Diagnostics
Classification: Uncertain significance. Last evaluated: 2018-11-20. Review status: criteria provided, single submitter. Criteria: Athena Diagnostics Criteria. Collection method: clinical testing. Allele origin: germline.

Ambry Genetics
Classification: Uncertain significance for Inborn genetic diseases. Last evaluated: 2017-06-21. Review status: criteria provided, single submitter. Criteria: Ambry Variant Classification Scheme 2023. Collection method: clinical testing. Allele origin: germline.
Comment: The p.D138N variant (also known as c.412G>A), located in coding exon 2 of the CLN5 gene, results from a G to A substitution at nucleotide position 412. The aspartic acid at codon 138 is replaced by asparagine, an amino acid with highly similar properties. This amino acid position is not well conserved and asparagine is the reference amino acid in several species. In addition, this alteration is predicted to be tolerated by in silico analysis. Since supporting evidence is limited at this time, the clinical significance of this variant remains unclear.

Eurofins Ntd Llc (ga)
Classification: Uncertain significance. Last evaluated: 2017-01-08. Review status: criteria provided, single submitter. Criteria: EGL Classification Definitions 2015. Collection method: clinical testing. Allele origin: germline. Observed: 1 variant allele, 1 heterozygote.

Natera, Inc.
Classification: Uncertain significance for Neuronal ceroid lipofuscinosis 5. Last evaluated: 2020-09-16. Review status: no assertion criteria provided. Collection method: clinical testing. Allele origin: germline. Not counted in ClinVar's aggregate classification.